The following is an entry in ClinVar:

ClinVar aggregate classification (germline): Likely pathogenic. Review status: criteria provided, single submitter (1 of 4 stars). 2 submissions from 2 submitters: Likely pathogenic (1). 1 of the submissions does not count toward it. Last evaluated 2025-11-25.

Conditions:
Adams-Oliver syndrome 5 (AOS5). Identifiers: Orphanet 974, MedGen C4014970, MONDO:0014459, OMIM 616028.
Hypoplastic left heart syndrome. Also called: Hypoplastic left ventricle; Hypoplastic left heart. Identifiers: Orphanet 2248, MedGen C0152101, MONDO:0004933, HP:0004383.

Submissions (2):

Labcorp Genetics (formerly Invitae), Labcorp
Classification: Likely pathogenic for Adams-Oliver syndrome 5. Last evaluated: 2025-11-25. Review status: criteria provided, single submitter. Criteria: Invitae Variant Classification Sherloc (09022015). Collection method: clinical testing. Allele origin: germline.
Comment: This sequence change affects an acceptor splice site in intron 17 of the NOTCH1 gene. It is expected to disrupt RNA splicing. Variants that disrupt the donor or acceptor splice site typically lead to a loss of protein function (PMID: 16199547), and loss-of-function variants in NOTCH1 are known to be pathogenic (PMID: 16025100, 21457232, 25132448, 25963545, 32720365, 33630301). This variant is not present in population databases (gnomAD no frequency). Disruption of this splice site has been observed in individual(s) with hypoplastic left heart syndrome (PMID: 30511478). ClinVar contains an entry for this variant (Variation ID: 996738). Algorithms developed to predict the effect of sequence changes on RNA splicing suggest that this variant may disrupt the consensus splice site. In summary, the currently available evidence indicates that the variant is pathogenic, but additional data are needed to prove that conclusively. Therefore, this variant has been classified as Likely Pathogenic.

University of Washington Center for Mendelian Genomics, University of Washington
Classification: Likely pathogenic for hypoplastic left heart syndrome. Review status: no assertion criteria provided. Collection method: research. Allele origin: inherited. Affected: yes. Not counted in ClinVar's aggregate classification.

Literature cited by the submitters: PubMed 16199547 (cited by Labcorp Genetics (formerly Invitae), Labcorp); PubMed 16025100 (cited by Labcorp Genetics (formerly Invitae), Labcorp); PubMed 21457232 (cited by Labcorp Genetics (formerly Invitae), Labcorp); PubMed 25132448 (cited by Labcorp Genetics (formerly Invitae), Labcorp); PubMed 25963545 (cited by Labcorp Genetics (formerly Invitae), Labcorp); PubMed 32720365 (cited by Labcorp Genetics (formerly Invitae), Labcorp); PubMed 33630301 (cited by Labcorp Genetics (formerly Invitae), Labcorp); PubMed 30511478 (cited by Labcorp Genetics (formerly Invitae), Labcorp and University of Washington Center for Mendelian Genomics, University of Washington).

NM_017617.5(NOTCH1):c.2741-1G>A

Gene: NOTCH1 (notch receptor 1; minus strand). Cytogenetic location: 9q34.3.
Variant type: single nucleotide variant.
Coding change: c.2741-1G>A on transcript NM_017617.5 (MANE Select); the canonical splice acceptor site of the intron before coding-DNA position 2741, G replaced by A.
Molecular consequence: splice acceptor variant.
Genome position (GRCh38, 1-based): chr9:136,509,962, C>T on the plus strand (G>A on the coding strand, the complement: NOTCH1 is on the minus strand). VCF-style: chr9-136509962-C-T. GRCh37 (hg19) VCF-style: chr9-139404414-C-T.
Identifiers: ClinVar variation 996738 (VCV000996738.2), dbSNP rs1843152606, ClinGen allele CA375554736.